The following is an entry in ClinVar:

NM_017617.5(NOTCH1):c.7322C>A (p.Ala2441Glu)

Gene: NOTCH1 (notch receptor 1; minus strand). Cytogenetic location: 9q34.3.
Variant type: single nucleotide variant.
Coding change: c.7322C>A on transcript NM_017617.5 (MANE Select); coding-DNA position 7322, C replaced by A.
Protein change: p.Ala2441Glu; replaces alanine 2441 with glutamic acid.
Molecular consequence: missense variant.
Genome position (GRCh38, 1-based): chr9:136,496,417, G>T on the plus strand (C>A on the coding strand, the complement: NOTCH1 is on the minus strand). VCF-style: chr9-136496417-G-T. GRCh37 (hg19) VCF-style: chr9-139390869-G-T.
Other names: short protein forms A2441E.
Identifiers: ClinVar variation 4695419 (VCV004695419.1).

ClinVar aggregate classification (germline): Uncertain significance (1 of 4 stars; one submission).

Conditions:
Adams-Oliver syndrome 5 (AOS5). Identifiers: Orphanet 974, MedGen C4014970, MONDO:0014459, OMIM 616028.

gnomAD v4.1: 1 of 1,599,458 alleles (0.000063%); highest among the groups gnomAD compares: Non-Finnish European, 0.000085%; no homozygotes.

Submission:

Labcorp Genetics (formerly Invitae), Labcorp
Classification: Uncertain significance for Adams-Oliver syndrome 5. Last evaluated: 2025-07-06. Review status: criteria provided, single submitter. Criteria: Invitae Variant Classification Sherloc (09022015). Collection method: clinical testing. Allele origin: germline.
Comment: This sequence change replaces alanine, which is neutral and non-polar, with glutamic acid, which is acidic and polar, at codon 2441 of the NOTCH1 protein (p.Ala2441Glu). This variant is not present in population databases (gnomAD no frequency). This variant has not been reported in the literature in individuals affected with NOTCH1-related conditions. Invitae Evidence Modeling of protein sequence and biophysical properties (such as structural, functional, and spatial information, amino acid conservation, physicochemical variation, residue mobility, and thermodynamic stability) indicates that this missense variant is not expected to disrupt NOTCH1 protein function with a negative predictive value of 95%. In summary, the available evidence is currently insufficient to determine the role of this variant in disease. Therefore, it has been classified as a Variant of Uncertain Significance.